The following is an entry in ClinVar:

NM_006269.2(RP1):c.1183G>A (p.Glu395Lys)

Gene: RP1 (RP1 axonemal microtubule associated; plus strand). Cytogenetic location: 8q12.1.
Variant type: single nucleotide variant.
Coding change: c.1183G>A on transcript NM_006269.2 (MANE Select); coding-DNA position 1183, G replaced by A.
Protein change: p.Glu395Lys; replaces glutamic acid 395 with lysine.
Molecular consequence: missense variant. On other transcripts: intron variant (1).
Genome position (GRCh38, 1-based): chr8:54,625,065, G>A. VCF-style: chr8-54625065-G-A. GRCh37 (hg19) VCF-style: chr8-55537625-G-A.
Other names: c.787+2777G>A (NM_001375654.1); short protein forms E395K.
Identifiers: ClinVar variation 937247 (VCV000937247.12), dbSNP rs377463031, ClinGen allele CA4751332.

ClinVar aggregate classification (germline): Uncertain significance. Review status: criteria provided, multiple submitters, no conflicts (2 of 4 stars). 3 submissions from 3 submitters: Uncertain significance (3). Last evaluated 2025-08-08.

Conditions:
Inborn genetic diseases. Identifiers: MedGen C0950123, MeSH D030342.

Allele frequency attached by ClinVar (database versions not stated): gnomAD exomes 0.00002 and 0.00005; ExAC 0.00006; ESP Exome Variant Server 0.00008; TOPMed 0.00014; gnomAD 0.00017 and 0.00019; 1000 Genomes Project 0.00040; 1000 Genomes Project 30x 0.00047.
gnomAD v4.1: 54 of 1,614,172 alleles (0.0033%); highest among the groups gnomAD compares: African/African-American, 0.065%; no homozygotes.

Submissions (3):

Ambry Genetics
Classification: Uncertain significance for Inborn genetic diseases. Last evaluated: 2025-08-08. Review status: criteria provided, single submitter. Criteria: Ambry Variant Classification Scheme 2023. Collection method: clinical testing. Allele origin: germline.

Labcorp Genetics (formerly Invitae), Labcorp
Classification: Uncertain significance. Last evaluated: 2025-06-15. Review status: criteria provided, single submitter. Criteria: Invitae Variant Classification Sherloc (09022015). Collection method: clinical testing. Allele origin: germline.
Comment: This sequence change replaces glutamic acid, which is acidic and polar, with lysine, which is basic and polar, at codon 395 of the RP1 protein (p.Glu395Lys). This variant is present in population databases (rs377463031, gnomAD 0.07%). This variant has not been reported in the literature in individuals affected with RP1-related conditions. ClinVar contains an entry for this variant (Variation ID: 937247). An algorithm developed to predict the effect of missense changes on protein structure and function outputs the following: PolyPhen-2: "Benign". The lysine amino acid residue is found in multiple mammalian species, which suggests that this missense change does not adversely affect protein function. In summary, the available evidence is currently insufficient to determine the role of this variant in disease. Therefore, it has been classified as a Variant of Uncertain Significance.

Blueprint Genetics
Classification: Uncertain significance. Last evaluated: 2022-09-20. Review status: criteria provided, single submitter. Criteria: ACMG Guidelines, 2015. Collection method: clinical testing. Allele origin: germline.